The following is an entry in ClinVar:

NM_032444.4(SLX4):c.5185G>C (p.Glu1729Gln)

Gene: SLX4 (SLX4 structure-specific endonuclease subunit; minus strand). Cytogenetic location: 16p13.3.
Variant type: single nucleotide variant.
Coding change: c.5185G>C on transcript NM_032444.4 (MANE Select); coding-DNA position 5185, G replaced by C.
Protein change: p.Glu1729Gln; replaces glutamic acid 1729 with glutamine.
Molecular consequence: missense variant.
Genome position (GRCh38, 1-based): chr16:3,582,662, C>G on the plus strand (G>C on the coding strand, the complement: SLX4 is on the minus strand). VCF-style: chr16-3582662-C-G. GRCh37 (hg19) VCF-style: chr16-3632663-C-G.
Other names: short protein forms E1729Q.
Identifiers: ClinVar variation 1361466 (VCV001361466.9), dbSNP rs1376464922, ClinGen allele CA394514043.

ClinVar aggregate classification (germline): Uncertain significance. Review status: criteria provided, multiple submitters, no conflicts (2 of 4 stars). 2 submissions from 2 submitters: Uncertain significance (2). Last evaluated 2023-12-09.

Conditions:
Fanconi anemia complementation group P. Also called: SLX4-Related Fanconi Anemia. Identifiers: Orphanet 84, MedGen C3469542, MONDO:0013499, OMIM 613951.
Fanconi anemia (FA). Also called: Fanconi's anemia. Identifiers: Orphanet 84, MedGen C0015625, MeSH D005199, MONDO:0019391.

Allele frequency attached by ClinVar (database versions not stated): gnomAD exomes below 0.00001; TOPMed below 0.00001.
gnomAD v4.1: 4 of 1,613,136 alleles (0.00025%); highest among the groups gnomAD compares: Non-Finnish European, 0.00034%; no homozygotes.

Submissions (2):

Labcorp Genetics (formerly Invitae), Labcorp
Classification: Uncertain significance for Fanconi anemia. Last evaluated: 2023-12-09. Review status: criteria provided, single submitter. Criteria: Invitae Variant Classification Sherloc (09022015). Collection method: clinical testing. Allele origin: germline.
Comment: This sequence change replaces glutamic acid, which is acidic and polar, with glutamine, which is neutral and polar, at codon 1729 of the SLX4 protein (p.Glu1729Gln). This variant is not present in population databases (gnomAD no frequency). This variant has not been reported in the literature in individuals affected with SLX4-related conditions. ClinVar contains an entry for this variant (Variation ID: 1361466). An algorithm developed to predict the effect of missense changes on protein structure and function (PolyPhen-2) suggests that this variant is likely to be tolerated. Algorithms developed to predict the effect of sequence changes on RNA splicing suggest that this variant may create or strengthen a splice site. In summary, the available evidence is currently insufficient to determine the role of this variant in disease. Therefore, it has been classified as a Variant of Uncertain Significance.

Fulgent Genetics
Classification: Uncertain significance for Fanconi anemia complementation group P. Last evaluated: 2022-02-05. Review status: criteria provided, single submitter. Criteria: ACMG Guidelines, 2015. Collection method: clinical testing. Allele origin: unknown.